The following is an entry in ClinVar:

NM_000540.3(RYR1):c.7874G>A (p.Arg2625His)

Gene: RYR1 (ryanodine receptor 1; plus strand). Cytogenetic location: 19q13.2.
Variant type: single nucleotide variant.
Coding change: c.7874G>A on transcript NM_000540.3 (MANE Select); coding-DNA position 7874, G replaced by A.
Protein change: p.Arg2625His; replaces arginine 2625 with histidine.
Molecular consequence: missense variant.
Genome position (GRCh38, 1-based): chr19:38,502,918, G>A. VCF-style: chr19-38502918-G-A. GRCh37 (hg19) VCF-style: chr19-38993558-G-A.
Other names: c.7874G>A, p.Arg2625His (NM_001042723.2); short protein forms R2625H.
Identifiers: ClinVar variation 2435510 (VCV002435510.4), dbSNP rs751301767, ClinGen allele CA070928.

ClinVar aggregate classification (germline): Uncertain significance. Review status: criteria provided, multiple submitters, no conflicts (2 of 4 stars). 2 submissions from 2 submitters: Uncertain significance (2). Last evaluated 2025-09-21.

Conditions:
RYR1-related disorder. Also called: RYR1-related condition; RYR1-related disorders. Identifiers: MedGen CN239331.

gnomAD v4.1: 8 of 1,611,694 alleles (0.0005%); highest among the groups gnomAD compares: Non-Finnish European, 0.00051%; no homozygotes.

Submissions (2):

Labcorp Genetics (formerly Invitae), Labcorp
Classification: Uncertain significance for RYR1-related disorder. Last evaluated: 2025-09-21. Review status: criteria provided, single submitter. Criteria: Invitae Variant Classification Sherloc (09022015). Collection method: clinical testing. Allele origin: germline.
Comment: This sequence change replaces arginine, which is basic and polar, with histidine, which is basic and polar, at codon 2625 of the RYR1 protein (p.Arg2625His). The frequency data for this variant in the population databases is considered unreliable, as metrics indicate poor data quality at this position in the gnomAD database. This variant has not been reported in the literature in individuals affected with RYR1-related conditions. ClinVar contains an entry for this variant (Variation ID: 2435510). Invitae Evidence Modeling of protein sequence and biophysical properties (such as structural, functional, and spatial information, amino acid conservation, physicochemical variation, residue mobility, and thermodynamic stability) indicates that this missense variant is expected to disrupt RYR1 protein function with a positive predictive value of 80%. In summary, the available evidence is currently insufficient to determine the role of this variant in disease. Therefore, it has been classified as a Variant of Uncertain Significance.

Revvity Omics, Revvity
Classification: Uncertain significance. Last evaluated: 2021-03-19. Review status: criteria provided, single submitter. Criteria: ACMG Guidelines, 2015. Collection method: clinical testing. Allele origin: germline.